The following is an entry in ClinVar:

ClinVar aggregate classification (germline): Uncertain significance. Review status: criteria provided, multiple submitters, no conflicts (2 of 4 stars). 2 submissions from 2 submitters: Uncertain significance (2). Last evaluated 2025-12-09.

Conditions:
Dyskeratosis congenita, autosomal recessive 5 (DKCB5). Identifiers: MedGen C3554656, MONDO:0014076, OMIM 615190.
Pulmonary fibrosis and/or bone marrow failure, Telomere-related, 3. Also called: PULMONARY FIBROSIS AND/OR BONE MARROW FAILURE SYNDROME, TELOMERE-RELATED, 3. Identifiers: Orphanet 2032, MedGen C4225346, MONDO:0014613, OMIM 616373.
Inborn genetic diseases. Identifiers: MedGen C0950123, MeSH D030342.

Allele frequency attached by ClinVar (database versions not stated): TOPMed below 0.00001; gnomAD 0.00001.
gnomAD v4.1: 1 of 1,610,854 alleles (0.000062%); highest among the groups gnomAD compares: Non-Finnish European, 0.000085%; no homozygotes.

Submissions (2):

Ambry Genetics
Classification: Uncertain significance for Inborn genetic diseases. Last evaluated: 2025-12-09. Review status: criteria provided, single submitter. Criteria: Ambry Variant Classification Scheme 2023. Collection method: clinical testing. Allele origin: germline.
Comment: The p.Y421S variant (also known as c.1262A>C), located in coding exon 14 of the RTEL1 gene, results from an A to C substitution at nucleotide position 1262. The tyrosine at codon 421 is replaced by serine, an amino acid with dissimilar properties. This amino acid position is conserved. In addition, this alteration is predicted to be deleterious by in silico analysis. Based on the available evidence, the clinical significance of this variant remains unclear.

Labcorp Genetics (formerly Invitae), Labcorp
Classification: Uncertain significance for Dyskeratosis congenita, autosomal recessive 5; Pulmonary fibrosis and/or bone marrow failure, Telomere-related, 3. Last evaluated: 2023-09-03. Review status: criteria provided, single submitter. Criteria: Invitae Variant Classification Sherloc (09022015). Collection method: clinical testing. Allele origin: germline.
Comment: In summary, the available evidence is currently insufficient to determine the role of this variant in disease. Therefore, it has been classified as a Variant of Uncertain Significance. An algorithm developed to predict the effect of missense changes on protein structure and function (PolyPhen-2) suggests that this variant is likely to be disruptive. This variant has not been reported in the literature in individuals affected with RTEL1-related conditions. This variant is not present in population databases (gnomAD no frequency). This sequence change replaces tyrosine, which is neutral and polar, with serine, which is neutral and polar, at codon 421 of the RTEL1 protein (p.Tyr421Ser).

NM_001283009.2(RTEL1):c.1262A>C (p.Tyr421Ser)

Genes: RTEL1 (regulator of telomere elongation helicase 1; plus strand), RTEL1-TNFRSF6B (RTEL1-TNFRSF6B readthrough (NMD candidate); plus strand). Cytogenetic location: 20q13.33.
Variant type: single nucleotide variant.
Coding change: c.1262A>C on transcript NM_001283009.2 (MANE Select); coding-DNA position 1262, A replaced by C.
Protein change: p.Tyr421Ser; replaces tyrosine 421 with serine.
Molecular consequence: missense variant. On other transcripts: non-coding transcript variant (1).
Genome position (GRCh38, 1-based): chr20:63,685,593, A>C. VCF-style: chr20-63685593-A-C. GRCh37 (hg19) VCF-style: chr20-62316946-A-C.
Other names: c.593A>C, p.Tyr198Ser (NM_001283010.1); c.1262A>C, p.Tyr421Ser (NM_016434.4); c.1334A>C, p.Tyr445Ser (NM_032957.5); short protein forms Y421S, Y198S, Y445S.
Identifiers: ClinVar variation 2951564 (VCV002951564.4), dbSNP rs1433854450, ClinGen allele CA409675832.